The following is an entry in ClinVar:

NM_001283009.2(RTEL1):c.2323A>G (p.Ser775Gly)

Genes: RTEL1 (regulator of telomere elongation helicase 1; plus strand), RTEL1-TNFRSF6B (RTEL1-TNFRSF6B readthrough (NMD candidate); plus strand). Cytogenetic location: 20q13.33.
Variant type: single nucleotide variant.
Coding change: c.2323A>G on transcript NM_001283009.2 (MANE Select); coding-DNA position 2323, A replaced by G.
Protein change: p.Ser775Gly; replaces serine 775 with glycine.
Molecular consequence: missense variant. On other transcripts: non-coding transcript variant (1).
Genome position (GRCh38, 1-based): chr20:63,690,351, A>G. VCF-style: chr20-63690351-A-G. GRCh37 (hg19) VCF-style: chr20-62321704-A-G.
Other names: c.1654A>G, p.Ser552Gly (NM_001283010.1); c.2323A>G, p.Ser775Gly (NM_016434.4); c.2395A>G, p.Ser799Gly (NM_032957.5); short protein forms S552G, S775G, S799G.
Identifiers: ClinVar variation 2165890 (VCV002165890.3), dbSNP rs2090705775, ClinGen allele CA409680936.

ClinVar aggregate classification (germline): Uncertain significance (1 of 4 stars; one submission).

Conditions:
Pulmonary fibrosis and/or bone marrow failure, Telomere-related, 3. Also called: PULMONARY FIBROSIS AND/OR BONE MARROW FAILURE SYNDROME, TELOMERE-RELATED, 3. Identifiers: Orphanet 2032, MedGen C4225346, MONDO:0014613, OMIM 616373.
Dyskeratosis congenita, autosomal recessive 5 (DKCB5). Identifiers: MedGen C3554656, MONDO:0014076, OMIM 615190.

Allele frequency attached by ClinVar (database versions not stated): gnomAD exomes 0.00003.
gnomAD v4.1: 16 of 1,611,838 alleles (0.00099%); highest among the groups gnomAD compares: East Asian, 0.036%; no homozygotes.

Submission:

Labcorp Genetics (formerly Invitae), Labcorp
Classification: Uncertain significance for Dyskeratosis congenita, autosomal recessive 5; Pulmonary fibrosis and/or bone marrow failure, Telomere-related, 3. Last evaluated: 2024-02-22. Review status: criteria provided, single submitter. Criteria: Invitae Variant Classification Sherloc (09022015). Collection method: clinical testing. Allele origin: germline.
Comment: This sequence change replaces serine, which is neutral and polar, with glycine, which is neutral and non-polar, at codon 775 of the RTEL1 protein (p.Ser775Gly). This variant is not present in population databases (gnomAD no frequency). This variant has not been reported in the literature in individuals affected with RTEL1-related conditions. ClinVar contains an entry for this variant (Variation ID: 2165890). An algorithm developed to predict the effect of missense changes on protein structure and function (PolyPhen-2) suggests that this variant is likely to be tolerated. In summary, the available evidence is currently insufficient to determine the role of this variant in disease. Therefore, it has been classified as a Variant of Uncertain Significance.